The following is an entry in ClinVar:

ClinVar aggregate classification (germline): Uncertain significance (1 of 4 stars; one submission).

Conditions:
POLD1-related polyposis and colorectal cancer syndrome (CRCS10). Also called: Colorectal cancer 10; COLORECTAL CANCER, SUSCEPTIBILITY TO, ON CHROMOSOME 19q; Colorectal cancer, susceptibility to, 10. Identifiers: Orphanet 220460, MedGen C2675481, MONDO:0012953, OMIM 612591.

Submission:

Labcorp Genetics (formerly Invitae), Labcorp
Classification: Uncertain significance for POLD1-related polyposis and colorectal cancer syndrome. Last evaluated: 2024-10-13. Review status: criteria provided, single submitter. Criteria: Invitae Variant Classification Sherloc (09022015). Collection method: clinical testing. Allele origin: germline.
Comment: This sequence change replaces aspartic acid, which is acidic and polar, with histidine, which is basic and polar, at codon 1068 of the POLD1 protein (p.Asp1068His). This variant is not present in population databases (gnomAD no frequency). This variant has not been reported in the literature in individuals affected with POLD1-related conditions. Invitae Evidence Modeling of protein sequence and biophysical properties (such as structural, functional, and spatial information, amino acid conservation, physicochemical variation, residue mobility, and thermodynamic stability) indicates that this missense variant is expected to disrupt POLD1 protein function with a positive predictive value of 80%. In summary, the available evidence is currently insufficient to determine the role of this variant in disease. Therefore, it has been classified as a Variant of Uncertain Significance.

NM_002691.4(POLD1):c.3202G>C (p.Asp1068His)

Gene: POLD1 (DNA polymerase delta 1, catalytic subunit; plus strand). Cytogenetic location: 19q13.33.
Variant type: single nucleotide variant.
Coding change: c.3202G>C on transcript NM_002691.4 (MANE Select); coding-DNA position 3202, G replaced by C.
Protein change: p.Asp1068His; replaces aspartic acid 1068 with histidine.
Molecular consequence: missense variant. On other transcripts: non-coding transcript variant (1).
Genome position (GRCh38, 1-based): chr19:50,417,253, G>C. VCF-style: chr19-50417253-G-C. GRCh37 (hg19) VCF-style: chr19-50920510-G-C.
Other names: c.3202G>C, p.Asp1068His (NM_001256849.1); c.3280G>C, p.Asp1094His (NM_001308632.1); short protein forms D1068H, D1094H.
Identifiers: ClinVar variation 3702730 (VCV003702730.2).
Genomic context (GRCh38, chr19:50,417,253, plus strand): 5'-GAGGAGCGCTTCTCGCGCCTCTGGACGCAGTGCCAGCGCTGCCAGGGCAGCCTGCACGAG[G>C]ACGTCATCTGCACCAGGTGTGTGCCATGTCCCGACCCTGGGCTGCCCCGCCCCTTCCCAG-3'
Protein context (NP_002682.2, residues 1058-1078): CQRCQGSLHE[Asp1068His]VICTSRDCPI